The following is an entry in ClinVar:

NM_004341.5(CAD):c.5157C>T (p.Ser1719=)

Gene: CAD (carbamoyl-phosphate synthetase 2, aspartate transcarbamylase, and dihydroorotase; plus strand). Cytogenetic location: 2p23.3.
Variant type: single nucleotide variant.
Coding change: c.5157C>T on transcript NM_004341.5 (MANE Select); coding-DNA position 5157, C replaced by T.
Protein change: p.Ser1719=; no amino-acid change (serine 1719 retained).
Molecular consequence: synonymous variant.
Genome position (GRCh38, 1-based): chr2:27,239,136, C>T. VCF-style: chr2-27239136-C-T. GRCh37 (hg19) VCF-style: chr2-27462004-C-T.
Other names: c.4968C>T, p.Ser1656= (NM_001306079.2).
Identifiers: ClinVar variation 708760 (VCV000708760.18), dbSNP rs142962901, ClinGen allele CA1573765.

ClinVar aggregate classification (germline): Likely benign. Review status: criteria provided, multiple submitters, no conflicts (2 of 4 stars). 4 submissions from 4 submitters: Likely benign (4). Last evaluated 2026-08-01.

Conditions:
CAD-related disorder. Also called: CAD-related condition.

Allele frequency attached by ClinVar (database versions not stated): ExAC 0.00018; gnomAD 0.00045 and 0.00046; ESP Exome Variant Server 0.00046; TOPMed 0.00052; 1000 Genomes Project 0.00100; 1000 Genomes Project 30x 0.00109.
gnomAD v4.1: 187 of 1,613,416 alleles (0.012%); highest among the groups gnomAD compares: African/African-American, 0.11%; no homozygotes.

Submissions (4):

CeGaT Center for Human Genetics Tuebingen
Classification: Likely benign. Last evaluated: 2026-08-01. Review status: criteria provided, single submitter. Criteria: CeGaT Center For Human Genetics Tuebingen Variant Classification Criteria Version 2. Collection method: clinical testing. Allele origin: germline. Affected: yes. Observed: 2 variant alleles.
Comment: CAD: BP4, BP7

Labcorp Genetics (formerly Invitae), Labcorp
Classification: Likely benign. Last evaluated: 2025-12-05. Review status: criteria provided, single submitter. Criteria: Invitae Variant Classification Sherloc (09022015). Collection method: clinical testing. Allele origin: germline.

PreventionGenetics, part of Exact Sciences
Classification: Likely benign for CAD-related condition. Last evaluated: 2025-05-09. Review status: criteria provided, single submitter. Criteria: ACMG Guidelines, 2015. Collection method: clinical testing. Allele origin: germline.
Comment: This variant is classified as likely benign based on ACMG/AMP sequence variant interpretation guidelines (Richards et al. 2015 PMID: 25741868, with internal and published modifications).

Breakthrough Genomics
Classification: Likely benign. Review status: criteria provided, single submitter. Criteria: ACMG Guidelines, 2015. Collection method: not provided. Allele origin: germline. Inheritance: Autosomal recessive inheritance. Affected: yes.